The following is an entry in ClinVar:

ClinVar aggregate classification (germline): Conflicting classifications of pathogenicity. Review status: criteria provided, conflicting classifications (1 of 4 stars). 2 submissions from 2 submitters: Uncertain significance (1); Likely benign (1). Last evaluated 2025-10-29.

Allele frequency attached by ClinVar (database versions not stated): gnomAD 0.00021; TOPMed 0.00024; gnomAD exomes 0.00001.

Submissions (2):

GeneDx
Classification: Uncertain significance. Last evaluated: 2025-10-29. Review status: criteria provided, single submitter. Criteria: GeneDx Variant Classification Process June 2021. Collection method: clinical testing. Allele origin: germline.
Comment: In silico analysis suggests that this variant does not alter splicing; Has not been previously published as pathogenic or benign to our knowledge

Labcorp Genetics (formerly Invitae), Labcorp
Classification: Likely benign. Last evaluated: 2024-01-14. Review status: criteria provided, single submitter. Criteria: Invitae Variant Classification Sherloc (09022015). Collection method: clinical testing. Allele origin: germline.

NM_001292063.2(OTOG):c.3733C>T (p.Leu1245=)

Gene: OTOG (otogelin; plus strand). Cytogenetic location: 11p15.1.
Variant type: single nucleotide variant.
Coding change: c.3733C>T on transcript NM_001292063.2 (MANE Select); coding-DNA position 3733, C replaced by T.
Protein change: p.Leu1245=; no amino-acid change (leucine 1245 retained).
Molecular consequence: synonymous variant.
Genome position (GRCh38, 1-based): chr11:17,602,233, C>T. VCF-style: chr11-17602233-C-T. GRCh37 (hg19) VCF-style: chr11-17623780-C-T.
Other names: c.3769C>T, p.Leu1257= (NM_001277269.2); c.3769C>T (NM_001277269.1).
Identifiers: ClinVar variation 2726251 (VCV002726251.5), dbSNP rs975490342, ClinGen allele CA218465431.